The following is an entry in ClinVar:

ClinVar aggregate classification (germline): Uncertain significance (1 of 4 stars; one submission).

Conditions:
Hereditary cancer-predisposing syndrome. Also called: Hereditary neoplastic syndrome; Neoplastic Syndromes, Hereditary; Tumor predisposition; Hereditary Cancer Syndrome. Identifiers: Orphanet 140162, MedGen C0027672, MeSH D009386, MONDO:0015356.

gnomAD v4.1: 1 of 1,614,058 alleles (0.000062%); highest among the groups gnomAD compares: Non-Finnish European, 0.000085%; no homozygotes.

Submission:

Ambry Genetics
Classification: Uncertain significance for Hereditary cancer-predisposing syndrome. Last evaluated: 2025-01-30. Review status: criteria provided, single submitter. Criteria: Ambry Variant Classification Scheme 2023. Collection method: clinical testing. Allele origin: germline.
Comment: The p.A1252D variant (also known as c.3755C>A), located in coding exon 25 of the ALK gene, results from a C to A substitution at nucleotide position 3755. The alanine at codon 1252 is replaced by aspartic acid, an amino acid with dissimilar properties. This amino acid position is highly conserved in available vertebrate species. In addition, this alteration is predicted to be deleterious by in silico analysis. Based on the available evidence, the clinical significance of this variant remains unclear.

NM_004304.5(ALK):c.3755C>A (p.Ala1252Asp)

Gene: ALK (ALK receptor tyrosine kinase; minus strand). Cytogenetic location: 2p23.2.
Variant type: single nucleotide variant.
Coding change: c.3755C>A on transcript NM_004304.5 (MANE Select); coding-DNA position 3755, C replaced by A.
Protein change: p.Ala1252Asp; replaces alanine 1252 with aspartic acid.
Molecular consequence: missense variant.
Genome position (GRCh38, 1-based): chr2:29,209,867, G>T on the plus strand (C>A on the coding strand, the complement: ALK is on the minus strand). VCF-style: chr2-29209867-G-T. GRCh37 (hg19) VCF-style: chr2-29432733-G-T.
Other names: c.551C>A, p.Ala184Asp (NM_001353765.2); short protein forms A1252D, A184D.
Identifiers: ClinVar variation 3855396 (VCV003855396.1).